The following is an entry in ClinVar:

ClinVar aggregate classification (germline): Pathogenic/Likely pathogenic. Review status: criteria provided, multiple submitters, no conflicts (2 of 4 stars). 5 submissions from 5 submitters: Pathogenic (4); Likely pathogenic (1). Last evaluated 2026-01-02.

Conditions:
DNAAF3-related disorder. Also called: DNAAF3-related condition.
DNAAF3-related disorders.
Primary ciliary dyskinesia. Also called: Ciliary dyskinesia. Identifiers: Orphanet 244, MedGen C0008780, MONDO:0016575, HP:0012265.
Primary ciliary dyskinesia 2. Also called: CILIARY DYSKINESIA, PRIMARY, 2, WITH OR WITHOUT SITUS INVERSUS. Identifiers: Orphanet 244, MedGen C1847554, MONDO:0011718, OMIM 606763.

Submissions (5):

Labcorp Genetics (formerly Invitae), Labcorp
Classification: Pathogenic for Primary ciliary dyskinesia. Last evaluated: 2026-01-02. Review status: criteria provided, single submitter. Criteria: Invitae Variant Classification Sherloc (09022015). Collection method: clinical testing. Allele origin: germline.
Comment: This sequence change creates a premature translational stop signal (p.Asp401Glyfs*63) in the DNAAF3 gene. It is expected to result in an absent or disrupted protein product. Loss-of-function variants in DNAAF3 are known to be pathogenic (PMID: 22387996). This variant is present in population databases (rs756430359, gnomAD 0.01%). This variant has not been reported in the literature in individuals affected with DNAAF3-related conditions. ClinVar contains an entry for this variant (Variation ID: 410279). For these reasons, this variant has been classified as Pathogenic.

Women's Health and Genetics/Laboratory Corporation of America, LabCorp
Classification: Pathogenic for Primary ciliary dyskinesia 2. Last evaluated: 2025-09-29. Review status: criteria provided, single submitter. Criteria: LabCorp Variant Classification Summary - May 2015. Collection method: clinical testing. Allele origin: germline.
Comment: Variant summary: DNAAF3 c.1201dupG (p.Asp401GlyfsX63) results in a premature termination codon, predicted to cause a truncation of the encoded protein or absence of the protein due to nonsense mediated decay, which are commonly known mechanisms for disease. Multiple variants downstream of this position have been classified as pathogenic, suggesting this variant disrupts a region important for protein function. The variant allele was found at a frequency of 7.7e-05 in 247378 control chromosomes. This frequency is not significantly higher than estimated for disease-causing variants in DNAAF3, allowing no conclusion about variant significance. c.1201dupG has been observed in at least one homozygous individual affected with Primary Ciliary Dyskinesia (e.g. Olm_2019). These data indicate that the variant is likely associated with disease. To our knowledge, no experimental evidence demonstrating an impact on protein function has been reported. The following publication has been ascertained in the context of this evaluation (PMID: 31213628). ClinVar contains an entry for this variant (Variation ID: 410279). Based on the evidence outlined above, the variant was classified as pathogenic.

PreventionGenetics, part of Exact Sciences
Classification: Pathogenic for DNAAF3-related condition. Last evaluated: 2025-06-24. Review status: criteria provided, single submitter. Criteria: ACMG Guidelines, 2015. Collection method: clinical testing. Allele origin: germline.
Comment: The DNAAF3 c.1201dupG variant is predicted to result in a frameshift and premature protein termination (p.Asp401Glyfs*63). This variant has been reported in the homozygous state in an individual with Primary ciliary dyskinesia (Table S5, Olm et al. 2019. PubMed ID: 31213628). This variant is reported in 0.013% of alleles in individuals of European (Non-Finnish) descent in gnomAD. Frameshift variants in DNAAF3 are expected to be pathogenic. This variant is interpreted as pathogenic.

Blueprint Genetics
Classification: Likely pathogenic for DNAAF3-related disorders. Last evaluated: 2024-08-12. Review status: criteria provided, single submitter. Criteria: ACMG Guidelines, 2015. Collection method: clinical testing. Allele origin: germline. Affected: yes. Observed: 5 variant alleles.

3billion
Classification: Pathogenic for Primary ciliary dyskinesia 2. Last evaluated: 2022-05-22. Review status: criteria provided, single submitter. Criteria: ACMG Guidelines, 2015. Collection method: clinical testing. Allele origin: germline. Affected: yes. Observed: 1 homozygote.
Comment: The variant is observed at an extremely low frequency in the gnomAD v2.1.1 dataset (total allele frequency: 0.008%). Frameshift: predicted to result in a loss or disruption of normal protein function through nonsense-mediated decay (NMD) or protein truncation. Multiple pathogenic variants are reported downstream of the variant. The variant has been reported to be associated with DNAAF3 related disorder (ClinVar ID: VCV000410279 / PMID: 31213628). Therefore, this variant is classified as pathogenic according to the recommendation of ACMG/AMP guideline.

Literature cited by the submitters: PubMed 22387996 (cited by Labcorp Genetics (formerly Invitae), Labcorp); PubMed 31213628 (cited by Women's Health and Genetics/Laboratory Corporation of America, LabCorp and 3billion).

NM_001256715.2(DNAAF3):c.997dup (p.Asp333fs)

Genes: DNAAF3 (dynein axonemal assembly factor 3; minus strand), DNAAF3-AS1 (DNAAF3 antisense RNA 1; plus strand), LOC130065090 (ATAC-STARR-seq lymphoblastoid silent region 11016; plus strand). Cytogenetic location: 19q13.42.
Variant type: Duplication.
Coding change: c.997dup on transcript NM_001256715.2 (MANE Select); coding-DNA position 997, one base duplicated (G; older notation c.997dupG).
Protein change: p.Asp333fs; shifts the reading frame from aspartic acid 333.
Molecular consequence: frameshift variant.
Genome position (GRCh38, 1-based): chr19:55,160,691, C duplicated on the plus strand (G on the coding strand, the reverse complement: DNAAF3 is on the minus strand); the first of 7 consecutive C bases (chr19:55,160,691-55,160,697); duplicating any one gives the same sequence. VCF-style (leftmost placement, unchanged base first): chr19-55160690-T-TC. GRCh37 (hg19) VCF-style: chr19-55672058-T-TC.
Other names: c.1201dup, p.Asp401fs (NM_001256714.1); c.835dup, p.Asp279fs (NM_001256716.2); c.1138dup, p.Asp380fs (NM_178837.4); c.1201dupG (NM_001256714.1); short protein forms D380fs, D333fs, D279fs, D401fs.
Identifiers: ClinVar variation 410279 (VCV000410279.15), dbSNP rs756430359, ClinGen allele CA9667979.